The following is an entry in ClinVar:

ClinVar aggregate classification (germline): Uncertain significance (1 of 4 stars; one submission).

Submission:

Labcorp Genetics (formerly Invitae), Labcorp
Classification: Uncertain significance. Last evaluated: 2022-06-27. Review status: criteria provided, single submitter. Criteria: Invitae Variant Classification Sherloc (09022015). Collection method: clinical testing. Allele origin: germline.
Comment: In summary, the available evidence is currently insufficient to determine the role of this variant in disease. Therefore, it has been classified as a Variant of Uncertain Significance. Algorithms developed to predict the effect of missense changes on protein structure and function (SIFT, PolyPhen-2, Align-GVGD) all suggest that this variant is likely to be tolerated. This variant has not been reported in the literature in individuals affected with FOXA2-related conditions. This variant is present in population databases (rs775402453, gnomAD 0.01%). This sequence change replaces glycine, which is neutral and non-polar, with arginine, which is basic and polar, at codon 346 of the FOXA2 protein (p.Gly346Arg).

NM_021784.5(FOXA2):c.1036G>C (p.Gly346Arg)

Gene: FOXA2 (forkhead box A2; minus strand). Cytogenetic location: 20p11.21.
Variant type: single nucleotide variant.
Coding change: c.1036G>C on transcript NM_021784.5 (MANE Select); coding-DNA position 1036, G replaced by C.
Protein change: p.Gly346Arg; replaces glycine 346 with arginine.
Molecular consequence: missense variant.
Genome position (GRCh38, 1-based): chr20:22,582,206, C>G on the plus strand (G>C on the coding strand, the complement: FOXA2 is on the minus strand). VCF-style: chr20-22582206-C-G. GRCh37 (hg19) VCF-style: chr20-22562844-C-G.
Other names: c.1018G>C, p.Gly340Arg (NM_153675.3); short protein forms G340R, G346R.
Identifiers: ClinVar variation 1927337 (VCV001927337.5), dbSNP rs775402453, ClinGen allele CA9786921.